The following is an entry in ClinVar:

ClinVar aggregate classification (germline): Uncertain significance (1 of 4 stars; one submission).

Conditions:
Brugada syndrome. Also called: Sudden Unexplained Death Syndrome; Sudden Unexplained Nocturnal Death Syndrome (SUNDS); Sudden unexpected nocturnal death syndrome; Sudden unexplained nocturnal death syndrome. Identifiers: Orphanet 130, MedGen C1142166, MONDO:0015263.

Submission:

Labcorp Genetics (formerly Invitae), Labcorp
Classification: Uncertain significance for Brugada syndrome. Last evaluated: 2022-08-12. Review status: criteria provided, single submitter. Criteria: Invitae Variant Classification Sherloc (09022015). Collection method: clinical testing. Allele origin: germline.
Comment: In summary, the available evidence is currently insufficient to determine the role of this variant in disease. Therefore, it has been classified as a Variant of Uncertain Significance. Advanced modeling of protein sequence and biophysical properties (such as structural, functional, and spatial information, amino acid conservation, physicochemical variation, residue mobility, and thermodynamic stability) performed at Invitae indicates that this missense variant is not expected to disrupt KCNJ8 protein function. This variant has not been reported in the literature in individuals affected with KCNJ8-related conditions. This variant is not present in population databases (gnomAD no frequency). This sequence change replaces arginine, which is basic and polar, with leucine, which is neutral and non-polar, at codon 399 of the KCNJ8 protein (p.Arg399Leu).

NC_000012.12:g.21765802C>A

Genes: KCNJ8 (potassium inwardly rectifying channel subfamily J member 8; minus strand), KCNJ8-AS1 (KCNJ8 antisense RNA 1; plus strand). Cytogenetic location: 12p12.1.
Variant type: single nucleotide variant.
Genome position: GRCh38 VCF-style: chr12-21765802-C-A. GRCh37 (hg19) VCF-style: chr12-21918736-C-A.
Identifiers: ClinVar variation 2203063 (VCV002203063.4), dbSNP rs142014286, ClinGen allele CA384121229.